The following is an entry in ClinVar:

ClinVar aggregate classification (germline): Uncertain significance (1 of 4 stars; one submission).

Submission:

Labcorp Genetics (formerly Invitae), Labcorp
Classification: Uncertain significance. Last evaluated: 2020-12-15. Review status: criteria provided, single submitter. Criteria: Invitae Variant Classification Sherloc (09022015). Collection method: clinical testing. Allele origin: germline.
Comment: Algorithms developed to predict the effect of missense changes on protein structure and function are either unavailable or do not agree on the potential impact of this missense change (SIFT: "Deleterious"; PolyPhen-2: "Probably Damaging"; Align-GVGD: "Class C15"). This variant has not been reported in the literature in individuals with MSH3-related conditions. This variant is not present in population databases (ExAC no frequency). This sequence change replaces phenylalanine with leucine at codon 405 of the MSH3 protein (p.Phe405Leu). The phenylalanine residue is highly conserved and there is a small physicochemical difference between phenylalanine and leucine. In summary, the available evidence is currently insufficient to determine the role of this variant in disease. Therefore, it has been classified as a Variant of Uncertain Significance.

NM_002439.5(MSH3):c.1215C>G (p.Phe405Leu)

Gene: MSH3 (mutS homolog 3; plus strand). Cytogenetic location: 5q14.1.
Variant type: single nucleotide variant.
Coding change: c.1215C>G on transcript NM_002439.5 (MANE Select); coding-DNA position 1215, C replaced by G.
Protein change: p.Phe405Leu; replaces phenylalanine 405 with leucine.
Molecular consequence: missense variant.
Genome position (GRCh38, 1-based): chr5:80,678,968, C>G. VCF-style: chr5-80678968-C-G. GRCh37 (hg19) VCF-style: chr5-79974787-C-G.
Other names: short protein forms F405L.
Identifiers: ClinVar variation 1397541 (VCV001397541.8), dbSNP rs1051811575, ClinGen allele CA360268902.